The following is an entry in ClinVar:

ClinVar aggregate classification (germline): Uncertain significance (1 of 4 stars; one submission).

Submission:

GeneDx
Classification: Uncertain significance. Last evaluated: 2025-02-07. Review status: criteria provided, single submitter. Criteria: GeneDx Variant Classification Process June 2021. Collection method: clinical testing. Allele origin: germline. Affected: yes.
Comment: Not observed at significant frequency in large population cohorts (gnomAD); In silico analysis supports that this missense variant has a deleterious effect on protein structure/function; Has not been previously published as pathogenic or benign to our knowledge; Does not affect a cysteine or calcium-binding residue within an EGF-like domain or a TGF-binding protein domain of the FBN1 gene; cysteine substitutions in the EGF-like domains represent the majority of pathogenic missense changes associated with FBN1-related disorders (PMID: 12938084); This variant is associated with the following publications: (PMID: 12938084)

NM_000138.5(FBN1):c.2417A>G (p.Glu806Gly)

Gene: FBN1 (fibrillin 1; minus strand). Cytogenetic location: 15q21.1.
Variant type: single nucleotide variant.
Coding change: c.2417A>G on transcript NM_000138.5 (MANE Select); coding-DNA position 2417, A replaced by G.
Protein change: p.Glu806Gly; replaces glutamic acid 806 with glycine.
Molecular consequence: missense variant.
Genome position (GRCh38, 1-based): chr15:48,496,102, T>C on the plus strand (A>G on the coding strand, the complement: FBN1 is on the minus strand). VCF-style: chr15-48496102-T-C. GRCh37 (hg19) VCF-style: chr15-48788299-T-C.
Other names: c.2417A>G, p.Glu806Gly (NM_001406716.1); short protein forms E806G.
Identifiers: ClinVar variation 4074613 (VCV004074613.1).
Genomic context (GRCh38, chr15:48,496,102, plus strand): 5'-CTAATGGCATTCCAAAAGATAGCAAAGTACACAGTATAAGAACAAAAATATGGTTTACCT[T>C]CACATGTTTTTAGATCAGGTTTGTAGATAAATCCCTTGGGGCAGGTACAGACAAAACTTC-3'
Protein context (NP_000129.3, residues 796-816): FIYKPDLKTC[Glu806Gly]DIDECESSPC